The following is an entry in ClinVar:

ClinVar aggregate classification (germline): Uncertain significance (1 of 4 stars; one submission).

Conditions:
Alexander disease (ALXDRD). Also called: Alexander's disease. Identifiers: Orphanet 58, MedGen C0270726, MONDO:0008752, OMIM 203450.

Submission:

3billion
Classification: Uncertain significance for Alexander disease. Last evaluated: 2025-12-22. Review status: criteria provided, single submitter. Criteria: ACMG Guidelines, 2015. Collection method: clinical testing. Allele origin: germline. Affected: yes.
Comment: The variant is not observed in the gnomAD v4.1.0 dataset. Predicted Consequence/Location: Missense variant. Missense changes are a common disease-causing mechanism. A different missense change at the same codon (p.Ala267Pro) has been reported as pathogenic/likely pathogenic with strong evidence (ClinVar ID: VCV000190348 /PMID: 17805552). Therefore, this variant is classified as VUS according to the recommendation of ACMG/AMP guideline.

Literature cited by the submitters: PubMed 17805552.

NM_002055.5(GFAP):c.799G>T (p.Ala267Ser)

Gene: GFAP (glial fibrillary acidic protein; minus strand). Cytogenetic location: 17q21.31.
Variant type: single nucleotide variant.
Coding change: c.799G>T on transcript NM_002055.5 (MANE Select); coding-DNA position 799, G replaced by T.
Protein change: p.Ala267Ser; replaces alanine 267 with serine.
Molecular consequence: missense variant.
Genome position (GRCh38, 1-based): chr17:44,911,779, C>A on the plus strand (G>T on the coding strand, the complement: GFAP is on the minus strand). VCF-style: chr17-44911779-C-A. GRCh37 (hg19) VCF-style: chr17-42989147-C-A.
Other names: c.799G>T, p.Ala267Ser (NM_001131019.3, NM_001242376.3, NM_001363846.2); short protein forms A267S.
Identifiers: ClinVar variation 4855682 (VCV004855682.1).